The following is an entry in ClinVar:

NM_004380.3(CREBBP):c.5162C>T (p.Thr1721Ile)

Gene: CREBBP (CREB binding lysine acetyltransferase; minus strand). Cytogenetic location: 16p13.3.
Variant type: single nucleotide variant.
Coding change: c.5162C>T on transcript NM_004380.3 (MANE Select); coding-DNA position 5162, C replaced by T.
Protein change: p.Thr1721Ile; replaces threonine 1721 with isoleucine.
Molecular consequence: missense variant.
Genome position (GRCh38, 1-based): chr16:3,731,202, G>A on the plus strand (C>T on the coding strand, the complement: CREBBP is on the minus strand). VCF-style: chr16-3731202-G-A. GRCh37 (hg19) VCF-style: chr16-3781203-G-A.
Other names: c.5048C>T, p.Thr1683Ile (NM_001079846.1); short protein forms T1683I, T1721I.
Identifiers: ClinVar variation 3344274 (VCV003344274.2).

ClinVar aggregate classification (germline): Uncertain significance. Review status: criteria provided, single submitter (1 of 4 stars). 2 submissions from 2 submitters: Uncertain significance (1). 1 of the submissions does not count toward it. Last evaluated 2026-02-18.

Conditions:
CREBBP-related disorder. Also called: CREBBP-related condition; CREBBP-related disorders.

Submissions (2):

GeneDx
Classification: Uncertain significance. Last evaluated: 2026-02-18. Review status: criteria provided, single submitter. Criteria: GeneDx Variant Classification Process June 2021. Collection method: clinical testing. Allele origin: germline.
Comment: In silico analysis supports that this missense variant has a deleterious effect on protein structure/function; Has not been previously published as pathogenic or benign to our knowledge; This variant is associated with the following publications: (PMID: 27311832)

PreventionGenetics, part of Exact Sciences
Classification: Uncertain significance for CREBBP-related condition. Last evaluated: 2024-08-14. Review status: no assertion criteria provided. Collection method: clinical testing. Allele origin: germline. Not counted in ClinVar's aggregate classification.
Comment: The CREBBP c.5162C>T variant is predicted to result in the amino acid substitution p.Thr1721Ile. To our knowledge, this variant has not been reported in the literature or in a large population database, indicating this variant is rare. At this time, the clinical significance of this variant is uncertain due to the absence of conclusive functional and genetic evidence.